The following is an entry in ClinVar:

NM_003072.5(SMARCA4):c.2407A>T (p.Asn803Tyr)

Gene: SMARCA4 (SWI/SNF related BAF chromatin remodeling complex subunit ATPase 4; plus strand). Cytogenetic location: 19p13.2.
Variant type: single nucleotide variant.
Coding change: c.2407A>T on transcript NM_003072.5 (MANE Select); coding-DNA position 2407, A replaced by T.
Protein change: p.Asn803Tyr; replaces asparagine 803 with tyrosine.
Molecular consequence: missense variant. On other transcripts: non-coding transcript variant (1).
Genome position (GRCh38, 1-based): chr19:11,013,081, A>T. VCF-style: chr19-11013081-A-T. GRCh37 (hg19) VCF-style: chr19-11123757-A-T.
Other names: c.2407A>T, p.Asn803Tyr (NM_001128844.3, NM_001128845.2, NM_001128846.2 and 4 more transcripts); short protein forms N803Y.
Identifiers: ClinVar variation 850555 (VCV000850555.9), dbSNP rs2089009656, ClinGen allele CA404053299.
Genomic context (GRCh38, chr19:11,013,081, plus strand): 5'-CTGGGGAAGACCATCCAGACCATCGCGCTCATCACGTACCTCATGGAGCACAAACGCATC[A>T]ATGGGCCCTTCCTCATCATCGTGCCTCTCTCGTGAGTACCCGCTGCCAGCAACATCCCAC-3'
Protein context (NP_003063.2, residues 793-813): ITYLMEHKRI[Asn803Tyr]GPFLIIVPLS

ClinVar aggregate classification (germline): Uncertain significance (1 of 4 stars; one submission).

Conditions:
Rhabdoid tumor predisposition syndrome 2 (RTPS2). Identifiers: Orphanet 231108, Orphanet 69077, MedGen C2750074, MONDO:0013224, OMIM 613325.

Submission:

Labcorp Genetics (formerly Invitae), Labcorp
Classification: Uncertain significance for Rhabdoid tumor predisposition syndrome 2. Last evaluated: 2019-04-08. Review status: criteria provided, single submitter. Criteria: Invitae Variant Classification Sherloc (09022015). Collection method: clinical testing. Allele origin: germline.
Comment: In summary, the available evidence is currently insufficient to determine the role of this variant in disease. Therefore, it has been classified as a Variant of Uncertain Significance. Algorithms developed to predict the effect of missense changes on protein structure and function are either unavailable or do not agree on the potential impact of this missense change (SIFT: "Deleterious"; PolyPhen-2: "Possibly Damaging"; Align-GVGD: "Class C15"). This variant has not been reported in the literature in individuals with SMARCA4-related conditions. This variant is not present in population databases (ExAC no frequency). This sequence change replaces asparagine with tyrosine at codon 803 of the SMARCA4 protein (p.Asn803Tyr). The asparagine residue is highly conserved and there is a large physicochemical difference between asparagine and tyrosine.